The following is an entry in ClinVar:

ClinVar aggregate classification (germline): Pathogenic/Likely pathogenic. Review status: criteria provided, multiple submitters, no conflicts (2 of 4 stars). 2 submissions from 2 submitters: Pathogenic (1); Likely pathogenic (1). Last evaluated 2024-06-11.

Conditions:
EXT2-related disorders.
Exostoses, multiple, type 2 (EXT2). Also called: Hereditary Multiple Osteochondromatosis, Type II; EXOSTOSES, MULTIPLE, TYPE II. Identifiers: Orphanet 321, MedGen C1851413, MONDO:0007586, OMIM 133701.

Submissions (2):

Labcorp Genetics (formerly Invitae), Labcorp
Classification: Pathogenic for Exostoses, multiple, type 2. Last evaluated: 2024-06-11. Review status: criteria provided, single submitter. Criteria: Invitae Variant Classification Sherloc (09022015). Collection method: clinical testing. Allele origin: germline.
Comment: This sequence change creates a premature translational stop signal (p.Tyr348*) in the EXT2 gene. It is expected to result in an absent or disrupted protein product. Loss-of-function variants in EXT2 are known to be pathogenic (PMID: 10679937, 19810120). This variant is not present in population databases (gnomAD no frequency). This variant has not been reported in the literature in individuals affected with EXT2-related conditions. For these reasons, this variant has been classified as Pathogenic.

Blueprint Genetics
Classification: Likely pathogenic for EXT2-related disorders. Last evaluated: 2024-02-05. Review status: criteria provided, single submitter. Criteria: ACMG Guidelines, 2015. Collection method: clinical testing. Allele origin: germline. Affected: yes. Observed: 1 variant allele.

Literature cited by the submitters: PubMed 10679937 (cited by Labcorp Genetics (formerly Invitae), Labcorp); PubMed 19810120 (cited by Labcorp Genetics (formerly Invitae), Labcorp).

NM_207122.2(EXT2):c.1044T>A (p.Tyr348Ter)

Gene: EXT2 (exostosin glycosyltransferase 2; plus strand). Cytogenetic location: 11p11.2.
Variant type: single nucleotide variant.
Coding change: c.1044T>A on transcript NM_207122.2 (MANE Select); coding-DNA position 1044, T replaced by A.
Protein change: p.Tyr348Ter; replaces tyrosine 348 with a stop codon.
Molecular consequence: nonsense.
Genome position (GRCh38, 1-based): chr11:44,126,920, T>A. VCF-style: chr11-44126920-T-A. GRCh37 (hg19) VCF-style: chr11-44148470-T-A.
Other names: c.1143T>A, p.Tyr381Ter (NM_000401.3); c.1044T>A, p.Tyr348Ter (NM_001178083.3, NM_001389628.1, NM_001389630.1); short protein forms Y381*, Y348*.
Identifiers: ClinVar variation 2750860 (VCV002750860.4), dbSNP rs2135020895, ClinGen allele CA380169190.